The following is an entry in ClinVar:

NM_001127898.4(CLCN5):c.*4192C>T

Gene: CLCN5 (Cl-/H+ antiporter 5; plus strand). Cytogenetic location: Xp11.23.
Variant type: single nucleotide variant.
Coding change: c.*4192C>T on transcript NM_001127898.4 (MANE Select); 4192 bases downstream of the stop codon, C replaced by T.
Molecular consequence: 3 prime UTR variant.
Genome position (GRCh38, 1-based): chrX:50,096,411, C>T. VCF-style: chrX-50096411-C-T. GRCh37 (hg19) VCF-style: chrX-49861068-C-T.
Other names: c.*4192C>T (NM_000084.5, NM_001127899.4, NM_001282163.2).
Identifiers: ClinVar variation 368520 (VCV000368520.5), dbSNP rs148902882, ClinGen allele CA10651981.

ClinVar aggregate classification (germline): Benign (1 of 4 stars; one submission).

Conditions:
Dent disease type 1 (DENT1). Also called: NEPHROLITHIASIS 2; NEPHROLITHIASIS, HYPERCALCIURIC, X-LINKED. Identifiers: Orphanet 1652, Orphanet 93622, MedGen C1848336, MONDO:0010225, OMIM 300009.

Allele frequency attached by ClinVar (database versions not stated): gnomAD 0.01076 and 0.01144; 1000 Genomes Project 0.01086; TOPMed 0.01179; 1000 Genomes Project 30x 0.01207.

Submission:

Illumina Laboratory Services, Illumina
Classification: Benign for Dent disease type 1. Last evaluated: 2018-01-13. Review status: criteria provided, single submitter. Criteria: ICSL Variant Classification Criteria 13 December 2019. Collection method: clinical testing. Allele origin: germline.
Comment: This variant was observed in the ICSL laboratory as part of a predisposition screen in an ostensibly healthy population. It had not been previously curated by ICSL or reported in the Human Gene Mutation Database (HGMD: prior to June 1st, 2018), and was therefore a candidate for classification through an automated scoring system. Utilizing variant allele frequency, disease prevalence and penetrance estimates, and inheritance mode, an automated score was calculated to assess if this variant is too frequent to cause the disease. Based on the score and internal cut-off values, a variant classified as benign is not then subjected to further curation. The score for this variant resulted in a classification of benign for this disease.